The following is an entry in ClinVar:

ClinVar aggregate classification (germline): Likely benign. Review status: criteria provided, multiple submitters, no conflicts (2 of 4 stars). 3 submissions from 3 submitters: Likely benign (3). Last evaluated 2026-10-01.

Allele frequency attached by ClinVar (database versions not stated): gnomAD 0.00001; ExAC 0.00004; gnomAD exomes 0.00004.
gnomAD v4.1: 62 of 1,614,032 alleles (0.0038%); highest among the groups gnomAD compares: Non-Finnish European, 0.0052%; no homozygotes.

Submissions (3):

CeGaT Center for Human Genetics Tuebingen
Classification: Likely benign. Last evaluated: 2026-10-01. Review status: criteria provided, single submitter. Criteria: CeGaT Center For Human Genetics Tuebingen Variant Classification Criteria Version 2. Collection method: clinical testing. Allele origin: germline. Affected: yes. Observed: 1 variant allele.
Comment: YARS2: BP4, BP7

Labcorp Genetics (formerly Invitae), Labcorp
Classification: Likely benign. Last evaluated: 2025-10-23. Review status: criteria provided, single submitter. Criteria: Invitae Variant Classification Sherloc (09022015). Collection method: clinical testing. Allele origin: germline.

Blueprint Genetics
Classification: Likely benign. Last evaluated: 2020-01-30. Review status: criteria provided, single submitter. Criteria: ACMG Guidelines, 2015. Collection method: clinical testing. Allele origin: germline.

NM_001040436.3(YARS2):c.633C>T (p.Pro211=)

Gene: YARS2 (tyrosyl-tRNA synthetase 2; minus strand). Cytogenetic location: 12p11.21.
Variant type: single nucleotide variant.
Coding change: c.633C>T on transcript NM_001040436.3 (MANE Select); coding-DNA position 633, C replaced by T.
Protein change: p.Pro211=; no amino-acid change (proline 211 retained).
Molecular consequence: synonymous variant.
Genome position (GRCh38, 1-based): chr12:32,755,242, G>A on the plus strand (C>T on the coding strand, the complement: YARS2 is on the minus strand). VCF-style: chr12-32755242-G-A. GRCh37 (hg19) VCF-style: chr12-32908176-G-A.
Identifiers: ClinVar variation 2056954 (VCV002056954.6), dbSNP rs769652679, ClinGen allele CA6508141.
Genomic context (GRCh38, chr12:32,755,242, plus strand): 5'-GTAATAGAAGTCATAGGCCTGGAGCACCTGGTAAAAGAACTCGGCCAAGCTCATGCCCTC[G>A]GGGCTCTTGAGCCGCAGCTGCACGCTCTGCCGGCTCAGCAGCGTCCCCATGCGGAAGTGA-3'
Protein context (NP_001035526.1, residues 201-221): RQSVQLRLKS[Pro211=]EGMSLAEFFY